The following is an entry in ClinVar:

ClinVar aggregate classification (germline): Likely pathogenic (1 of 4 stars; one submission).

Conditions:
Cornelia de Lange syndrome 3 (CDLS3). Also called: SMC3-Related Cornelia de Lange Syndrome; CORNELIA DE LANGE SYNDROME 3 WITH OR WITHOUT MIDLINE BRAIN DEFECTS. Identifiers: Orphanet 199, MedGen C1853099, MONDO:0012555, OMIM 610759.

Submission:

Greenwood Genetic Center Diagnostic Laboratories, Greenwood Genetic Center
Classification: Likely pathogenic for Cornelia de Lange syndrome 3. Last evaluated: 2022-02-02. Review status: criteria provided, single submitter. Criteria: ACMG Guidelines, 2015. Collection method: clinical testing. Allele origin: germline. Affected: yes.
Comment: PVS1, PM2

NM_005445.4(SMC3):c.1343dup (p.Glu449fs)

Gene: SMC3 (structural maintenance of chromosomes 3; plus strand). Cytogenetic location: 10q25.2.
Variant type: Duplication.
Coding change: c.1343dup on transcript NM_005445.4 (MANE Select); coding-DNA position 1343, one base duplicated (T; older notation c.1343dupT).
Protein change: p.Glu449fs; shifts the reading frame from glutamic acid 449.
Molecular consequence: frameshift variant.
Genome position (GRCh38, 1-based): chr10:110,589,642, T duplicated. VCF-style (leftmost placement, unchanged base first): chr10-110589641-G-GT. GRCh37 (hg19) VCF-style: chr10-112349399-G-GT.
Other names: short protein forms E449fs.
Identifiers: ClinVar variation 1676567 (VCV001676567.3), dbSNP rs2134735614, ClinGen allele CA2573145534.